The following is an entry in ClinVar:

ClinVar aggregate classification (germline): Uncertain significance. Review status: criteria provided, multiple submitters, no conflicts (2 of 4 stars). 2 submissions from 2 submitters: Uncertain significance (2). Last evaluated 2023-06-27.

Conditions:
Dilated cardiomyopathy 1G (CMD1G). Identifiers: Orphanet 154, MedGen C1858763, MONDO:0011400, OMIM 604145.
Autosomal recessive limb-girdle muscular dystrophy type 2J (LGMDR10). Also called: Limb-girdle muscular dystrophy, type 2J; MUSCULAR DYSTROPHY, LIMB-GIRDLE, AUTOSOMAL RECESSIVE 10. Identifiers: Orphanet 140922, MedGen C1837342, MONDO:0012127, OMIM 608807.

Submissions (2):

Revvity Omics, Revvity
Classification: Uncertain significance. Last evaluated: 2023-06-27. Review status: criteria provided, single submitter. Criteria: ACMG Guidelines, 2015. Collection method: clinical testing. Allele origin: germline.

Labcorp Genetics (formerly Invitae), Labcorp
Classification: Uncertain significance for Dilated cardiomyopathy 1G; Autosomal recessive limb-girdle muscular dystrophy type 2J. Last evaluated: 2022-07-06. Review status: criteria provided, single submitter. Criteria: Invitae Variant Classification Sherloc (09022015). Collection method: clinical testing. Allele origin: germline.
Comment: In summary, the available evidence is currently insufficient to determine the role of this variant in disease. Therefore, it has been classified as a Variant of Uncertain Significance. This variant is located in the M band of TTN (PMID: 25589632). Variants in this region may be relevant for neuromuscular disorders, but have not been definitively shown to cause cardiomyopathy (PMID: 23975875). Experimental studies and prediction algorithms are not available or were not evaluated, and the functional significance of this variant is currently unknown. ClinVar contains an entry for this variant (Variation ID: 1400889). This variant has not been reported in the literature in individuals affected with TTN-related conditions. The frequency data for this variant in the population databases is considered unreliable, as metrics indicate poor data quality at this position in the gnomAD database. This sequence change replaces isoleucine, which is neutral and non-polar, with methionine, which is neutral and non-polar, at codon 35733 of the TTN protein (p.Ile35733Met).

Literature cited by the submitters: PubMed 25589632 (cited by Labcorp Genetics (formerly Invitae), Labcorp); PubMed 23975875 (cited by Labcorp Genetics (formerly Invitae), Labcorp).

NM_001267550.2(TTN):c.107199C>G (p.Ile35733Met)

Genes: TTN-AS1 (TTN antisense RNA 1; plus strand), TTN (titin; minus strand). Cytogenetic location: 2q31.2.
Variant type: single nucleotide variant.
Coding change: c.107199C>G on transcript NM_001267550.2 (MANE Select); coding-DNA position 107199, C replaced by G.
Protein change: p.Ile35733Met; replaces isoleucine 35733 with methionine.
Molecular consequence: missense variant.
Genome position (GRCh38, 1-based): chr2:178,528,552, G>C on the plus strand (C>G on the coding strand, the complement: TTN is on the minus strand). VCF-style: chr2-178528552-G-C. GRCh37 (hg19) VCF-style: chr2-179393279-G-C.
Other names: c.102276C>G, p.Ile34092Met (NM_001256850.1); c.80004C>G, p.Ile26668Met (NM_003319.4); c.99495C>G, p.Ile33165Met (NM_133378.4); c.80379C>G, p.Ile26793Met (NM_133432.3); c.80580C>G, p.Ile26860Met (NM_133437.4); short protein forms I33165M, I26860M, I34092M, I26668M, I26793M, I35733M.
Identifiers: ClinVar variation 1400889 (VCV001400889.8), dbSNP rs776237176, ClinGen allele CA1984990.